The following is an entry in ClinVar:

ClinVar aggregate classification (germline): Conflicting classifications of pathogenicity. Review status: criteria provided, conflicting classifications (1 of 4 stars). 6 submissions from 6 submitters: Uncertain significance (5); Likely benign (1). Last evaluated 2026-01-21.

Conditions:
Classic or attenuated familial adenomatous polyposis. Identifiers: MedGen CN372698, MONDO:0021057.
Familial adenomatous polyposis 1 (FAP1). Also called: POLYPOSIS, ADENOMATOUS INTESTINAL; FAMILIAL ADENOMATOUS POLYPOSIS 1, ATTENUATED. Identifiers: MedGen C2713442, MONDO:0021056, OMIM 175100. Disease mechanism: loss of function.
Hereditary cancer-predisposing syndrome. Also called: Tumor predisposition; Hereditary neoplastic syndrome; Neoplastic Syndromes, Hereditary; Hereditary Cancer Syndrome. Identifiers: Orphanet 140162, MedGen C0027672, MeSH D009386, MONDO:0015356.

Allele frequency attached by ClinVar (database versions not stated): TOPMed below 0.00001; gnomAD exomes 0.00002; ExAC 0.00002; gnomAD 0.00001.
gnomAD v4.1: 31 of 1,613,938 alleles (0.0019%); highest among the groups gnomAD compares: Admixed American, 0.0083%; no homozygotes.

Submissions (6):

Labcorp Genetics (formerly Invitae), Labcorp
Classification: Uncertain significance for Familial adenomatous polyposis 1. Last evaluated: 2026-01-21. Review status: criteria provided, single submitter. Criteria: Invitae Variant Classification Sherloc (09022015). Collection method: clinical testing. Allele origin: germline.
Comment: This sequence change replaces alanine, which is neutral and non-polar, with proline, which is neutral and non-polar, at codon 2460 of the APC protein (p.Ala2460Pro). This variant is present in population databases (rs771929461, gnomAD 0.006%). This variant has not been reported in the literature in individuals affected with APC-related conditions. ClinVar contains an entry for this variant (Variation ID: 489494). Invitae Evidence Modeling of protein sequence and biophysical properties (such as structural, functional, and spatial information, amino acid conservation, physicochemical variation, residue mobility, and thermodynamic stability) indicates that this missense variant is not expected to disrupt APC protein function with a negative predictive value of 95%. In summary, the available evidence is currently insufficient to determine the role of this variant in disease. Therefore, it has been classified as a Variant of Uncertain Significance.

Quest Diagnostics Nichols Institute San Juan Capistrano
Classification: Uncertain significance. Last evaluated: 2025-07-02. Review status: criteria provided, single submitter. Criteria: Quest Diagnostics criteria. Collection method: clinical testing. Allele origin: unknown.
Comment: The APC c.7378G>C (p.Ala2460Pro) variant has not been reported in individuals with APC-related conditions in the published literature. However, the variant has also been detected in an individual with thyroid cancer from The Cancer Genome Atlas dataset (PMID: 29684080 (2018)). The frequency of this variant in the general population (Genome Aggregation Database) is higher than would generally be expected for pathogenic variants in this gene. Analysis of this variant using bioinformatics tools for the prediction of the effect of amino acid changes on protein structure and function yielded predictions that this variant is damaging. Based on the available information, we are unable to determine the clinical significance of this variant.

Color Diagnostics, LLC DBA Color Health
Classification: Uncertain significance for Hereditary cancer-predisposing syndrome. Last evaluated: 2025-06-30. Review status: criteria provided, single submitter. Criteria: ACMG Guidelines, 2015. Collection method: clinical testing. Allele origin: germline.
Comment: This missense variant replaces alanine with proline at codon 2460 of the APC protein. Computational prediction suggests that this variant may not impact protein structure and function. To our knowledge, functional studies have not been reported for this variant. This variant has not been reported in individuals affected with APC-related disorders in the literature. This variant has been identified in 6/250972 chromosomes in the general population by the Genome Aggregation Database (gnomAD). The available evidence is insufficient to determine the role of this variant in disease conclusively. Therefore, this variant is classified as a Variant of Uncertain Significance.

All of Us Research Program, National Institutes of Health
Classification: Uncertain significance for Classic or attenuated familial adenomatous polyposis. Last evaluated: 2024-06-11. Review status: criteria provided, single submitter. Criteria: ACMG Guidelines, 2015. Collection method: clinical testing. Allele origin: germline. Inheritance: Autosomal dominant inheritance. Observed: 2 variant alleles, 2 heterozygotes.
Comment: This study involves interpretation of variants in research participants for the purpose of population health screening. Participant phenotype was not available at the time of variant classification. Additional details can be found in publication PMID: 35346344, PMCID: PMC8962531

GeneDx
Classification: Uncertain significance. Last evaluated: 2023-10-10. Review status: criteria provided, single submitter. Criteria: GeneDx Variant Classification Process June 2021. Collection method: clinical testing. Allele origin: germline.
Comment: In silico analysis supports that this missense variant does not alter protein structure/function; Observed in an individual with thyroid cancer (Yehia et al., 2018); This variant is associated with the following publications: (PMID: 29684080)

Ambry Genetics
Classification: Likely benign for Hereditary cancer-predisposing syndrome. Last evaluated: 2021-05-01. Review status: criteria provided, single submitter. Criteria: Ambry Variant Classification Scheme 2023. Collection method: clinical testing. Allele origin: germline.

Literature cited by the submitters: PubMed 29684080 (cited by Quest Diagnostics Nichols Institute San Juan Capistrano and Ambry Genetics); PubMed 34707284 (cited by Quest Diagnostics Nichols Institute San Juan Capistrano).

NM_000038.6(APC):c.7378G>C (p.Ala2460Pro)

Gene: APC (APC regulator of Wnt signaling pathway; plus strand). Cytogenetic location: 5q22.2.
Variant type: single nucleotide variant.
Coding change: c.7378G>C on transcript NM_000038.6 (MANE Select); coding-DNA position 7378, G replaced by C.
Protein change: p.Ala2460Pro; replaces alanine 2460 with proline.
Molecular consequence: missense variant.
Genome position (GRCh38, 1-based): chr5:112,842,972, G>C. VCF-style: chr5-112842972-G-C. GRCh37 (hg19) VCF-style: chr5-112178669-G-C.
Other names: c.7378G>C, p.Ala2460Pro (NM_001127510.3, NM_001354895.2); c.7324G>C, p.Ala2442Pro (NM_001127511.3); c.7432G>C, p.Ala2478Pro (NM_001354896.2); c.7408G>C, p.Ala2470Pro (NM_001354897.2); c.7303G>C, p.Ala2435Pro (NM_001354898.2); c.7294G>C, p.Ala2432Pro (NM_001354899.2); c.7255G>C, p.Ala2419Pro (NM_001354900.2); c.7201G>C, p.Ala2401Pro (NM_001354901.2); and 5 more; short protein forms A2442P, A2460P, A2334P, A2401P, A2432P, A2435P, A2470P, A2300P.
Identifiers: ClinVar variation 489494 (VCV000489494.23), dbSNP rs771929461, ClinGen allele CA047824.